The following is an entry in ClinVar:

ClinVar aggregate classification (germline): Uncertain significance. Review status: criteria provided, single submitter (1 of 4 stars). 2 submissions from 2 submitters: Uncertain significance (1). 1 of the submissions does not count toward it. Last evaluated 2022-05-20.

Allele frequency attached by ClinVar (database versions not stated): gnomAD 0.00003.
gnomAD v4.1: 8 of 1,613,766 alleles (0.0005%); highest among the groups gnomAD compares: Admixed American, 0.01%; no homozygotes.

Submissions (2):

Labcorp Genetics (formerly Invitae), Labcorp
Classification: Uncertain significance. Last evaluated: 2022-05-20. Review status: criteria provided, single submitter. Criteria: Invitae Variant Classification Sherloc (09022015). Collection method: clinical testing. Allele origin: germline.
Comment: This sequence change replaces threonine, which is neutral and polar, with serine, which is neutral and polar, at codon 445 of the ERCC3 protein (p.Thr445Ser). This variant is present in population databases (rs587778280, gnomAD 0.01%). This variant has not been reported in the literature in individuals affected with ERCC3-related conditions. ClinVar contains an entry for this variant (Variation ID: 134129). Algorithms developed to predict the effect of missense changes on protein structure and function are either unavailable or do not agree on the potential impact of this missense change (SIFT: "Deleterious"; PolyPhen-2: "Possibly Damaging"; Align-GVGD: "Class C0"). In summary, the available evidence is currently insufficient to determine the role of this variant in disease. Therefore, it has been classified as a Variant of Uncertain Significance.

ITMI
No classification provided. Condition: AllHighlyPenetrant. Last evaluated: 2013-09-19. Review status: no classification provided. Collection method: reference population. Allele origin: germline. Not counted in ClinVar's aggregate classification.
Comment: Please see associated publication for description of ethnicities

Literature cited by the submitters: PubMed 24728327 (cited by ITMI).

NM_000122.2(ERCC3):c.1333A>T (p.Thr445Ser)

Gene: ERCC3 (ERCC excision repair 3, TFIIH core complex helicase subunit; minus strand). Cytogenetic location: 2q14.3.
Variant type: single nucleotide variant.
Coding change: c.1333A>T on transcript NM_000122.2 (MANE Select); coding-DNA position 1333, A replaced by T.
Protein change: p.Thr445Ser; replaces threonine 445 with serine.
Molecular consequence: missense variant.
Genome position (GRCh38, 1-based): chr2:127,286,712, T>A on the plus strand (A>T on the coding strand, the complement: ERCC3 is on the minus strand). VCF-style: chr2-127286712-T-A. GRCh37 (hg19) VCF-style: chr2-128044288-T-A.
Other names: c.1141A>T, p.Thr381Ser (NM_001303416.2, NM_001303418.2); short protein forms T445S, T381S.
Identifiers: ClinVar variation 134129 (VCV000134129.4), dbSNP rs587778280, ClinGen allele CA158851.